The following is an entry in ClinVar:

ClinVar aggregate classification (germline): Pathogenic (1 of 4 stars; one submission).

Submission:

Labcorp Genetics (formerly Invitae), Labcorp
Classification: Pathogenic. Last evaluated: 2023-05-07. Review status: criteria provided, single submitter. Criteria: Invitae Variant Classification Sherloc (09022015). Collection method: clinical testing. Allele origin: germline.
Comment: Algorithms developed to predict the effect of sequence changes on RNA splicing suggest that this variant may disrupt the consensus splice site. For these reasons, this variant has been classified as Pathogenic. ClinVar contains an entry for this variant (Variation ID: 949750). Disruption of this splice site has been observed in individuals with hypophosphatemic rickets (Invitae). This variant is not present in population databases (gnomAD no frequency). This sequence change affects a donor splice site in intron 20 of the PHEX gene. It is expected to disrupt RNA splicing. Variants that disrupt the donor or acceptor splice site typically lead to a loss of protein function (PMID: 16199547), and loss-of-function variants in PHEX are known to be pathogenic (PMID: 9097956, 9106524, 19219621).

Literature cited by the submitters: PubMed 16199547; PubMed 9097956; PubMed 9106524; PubMed 19219621.

NM_000444.6(PHEX):c.2070+1G>T

Genes: PHEX (phosphate regulating endopeptidase X-linked; plus strand), PTCHD1-AS (PTCHD1 and PHEX antisense RNA; minus strand). Cytogenetic location: Xp22.11.
Variant type: single nucleotide variant.
Coding change: c.2070+1G>T on transcript NM_000444.6 (MANE Select); the canonical splice donor site of the intron after coding-DNA position 2070, G replaced by T.
Molecular consequence: splice donor variant. On other transcripts: non-coding transcript variant (1).
Genome position (GRCh38, 1-based): chrX:22,227,612, G>T. VCF-style: chrX-22227612-G-T. GRCh37 (hg19) VCF-style: chrX-22245729-G-T.
Other names: c.2070+1G>T (NM_001282754.2).
Identifiers: ClinVar variation 949750 (VCV000949750.10), dbSNP rs1057518596, ClinGen allele CA412574513.
Genomic context (GRCh38, chrX:22,227,612, plus strand): 5'-CCTCTTCTACCAGGCATCACATTCACCAACAACCAGCTCTTCTTCCTGAGTTATGCTCAT[G>T]TGAGTAGACTGAGGAAGGGGCATCAGGGATGAGATGCAGGACTTGAGTTTGCTCCCTTGA-3'